The following is an entry in ClinVar:

NM_001083961.2(WDR62):c.3639C>T (p.Ser1213=)

Gene: WDR62 (WD repeat domain 62; plus strand). Cytogenetic location: 19q13.12.
Variant type: single nucleotide variant.
Coding change: c.3639C>T on transcript NM_001083961.2 (MANE Select); coding-DNA position 3639, C replaced by T.
Protein change: p.Ser1213=; no amino-acid change (serine 1213 retained).
Molecular consequence: synonymous variant.
Genome position (GRCh38, 1-based): chr19:36,103,467, C>T. VCF-style: chr19-36103467-C-T. GRCh37 (hg19) VCF-style: chr19-36594369-C-T.
Other names: p.Ser1213=; c.3624C>T, p.Ser1208= (NM_173636.5).
Identifiers: ClinVar variation 160294 (VCV000160294.27), dbSNP rs45470992, ClinGen allele CA173934.

ClinVar aggregate classification (germline): Benign. Review status: criteria provided, multiple submitters, no conflicts (2 of 4 stars). 12 submissions from 12 submitters: Benign (10). 2 of the submissions do not count toward it. Last evaluated 2026-01-28.

Conditions:
Microcephaly 2, primary, autosomal recessive, with or without cortical malformations. Also called: WDR62 Primary Microcephaly; MICROCEPHALY 2, PRIMARY, AUTOSOMAL RECESSIVE, WITH CORTICAL MALFORMATIONS. Identifiers: Orphanet 2512, MedGen C1858535, MONDO:0011435, OMIM 604317.

Allele frequency attached by ClinVar (database versions not stated): gnomAD 0.03038 and 0.03266; TOPMed 0.03091; ESP Exome Variant Server 0.03129; gnomAD exomes 0.03737 and 0.04355; ExAC 0.04472; 1000 Genomes Project 30x 0.04700; 1000 Genomes Project 0.04932.
gnomAD v4.1: 60,084 of 1,614,136 alleles (3.7%); highest among the groups gnomAD compares: East Asian, 10%; 1,424 homozygotes.

Submissions (12):

Labcorp Genetics (formerly Invitae), Labcorp
Classification: Benign. Last evaluated: 2026-01-28. Review status: criteria provided, single submitter. Criteria: Invitae Variant Classification Sherloc (09022015). Collection method: clinical testing. Allele origin: germline.

Blueprint Genetics
Classification: Benign. Last evaluated: 2024-11-28. Review status: criteria provided, single submitter. Criteria: ACMG Guidelines, 2015. Collection method: clinical testing. Allele origin: germline.

Genome-Nilou Lab
Classification: Benign for Microcephaly 2, primary, autosomal recessive, with or without cortical malformations. Last evaluated: 2021-12-05. Review status: criteria provided, single submitter. Criteria: ACMG Guidelines, 2015. Collection method: clinical testing. Allele origin: germline. Affected: no.

Mayo Clinic Laboratories, Mayo Clinic
Classification: Benign. Last evaluated: 2018-04-10. Review status: criteria provided, single submitter. Criteria: ACMG Guidelines, 2015. Collection method: clinical testing. Allele origin: germline. Observed: 28 variant alleles.

Illumina Laboratory Services, Illumina
Classification: Benign for Microcephaly 2, primary, autosomal recessive, with or without cortical malformations. Last evaluated: 2018-01-12. Review status: criteria provided, single submitter. Criteria: ICSL Variant Classification Criteria 13 December 2019. Collection method: clinical testing. Allele origin: germline.
Comment: This variant was observed in the ICSL laboratory as part of a predisposition screen in an ostensibly healthy population. It had not been previously curated by ICSL or reported in the Human Gene Mutation Database (HGMD: prior to June 1st, 2018), and was therefore a candidate for classification through an automated scoring system. Utilizing variant allele frequency, disease prevalence and penetrance estimates, and inheritance mode, an automated score was calculated to assess if this variant is too frequent to cause the disease. Based on the score and internal cut-off values, a variant classified as benign is not then subjected to further curation. The score for this variant resulted in a classification of benign for this disease.

Athena Diagnostics
Classification: Benign for Microcephaly 2, primary, autosomal recessive, with or without cortical malformations. Last evaluated: 2017-06-05. Review status: criteria provided, single submitter. Criteria: Athena Diagnostics Criteria. Collection method: clinical testing. Allele origin: germline.

GeneDx
Classification: Benign. Last evaluated: 2015-03-03. Review status: criteria provided, single submitter. Criteria: GeneDx Variant Classification Process June 2021. Collection method: clinical testing. Allele origin: germline. Affected: yes.

Genetic Services Laboratory, University of Chicago
Classification: Benign. Last evaluated: 2013-02-08. Review status: criteria provided, single submitter. Criteria: ACMG Guidelines, 2007. Collection method: clinical testing. Allele origin: germline. Inheritance: Autosomal recessive inheritance.

Breakthrough Genomics
Classification: Benign. Review status: criteria provided, single submitter. Criteria: ACMG Guidelines, 2015. Collection method: not provided. Allele origin: germline. Inheritance: Autosomal recessive inheritance. Affected: yes.

PreventionGenetics, part of Exact Sciences
Classification: Benign. Review status: criteria provided, single submitter. Criteria: ACMG Guidelines, 2015. Collection method: clinical testing. Allele origin: germline.

Clinical Genetics DNA and cytogenetics Diagnostics Lab, Erasmus MC, Erasmus Medical Center
Classification: Benign. Review status: no assertion criteria provided. Collection method: clinical testing. Allele origin: germline. Affected: yes. Study: VKGL Data-share Consensus. Not counted in ClinVar's aggregate classification.

Joint Genome Diagnostic Labs from Nijmegen and Maastricht, Radboudumc and MUMC+
Classification: Benign. Review status: no assertion criteria provided. Collection method: clinical testing. Allele origin: germline. Affected: yes. Study: VKGL Data-share Consensus. Not counted in ClinVar's aggregate classification.